The following is an entry in ClinVar:

NM_001083961.2(WDR62):c.778T>C (p.Cys260Arg)

Gene: WDR62 (WD repeat domain 62; plus strand). Cytogenetic location: 19q13.12.
Variant type: single nucleotide variant.
Coding change: c.778T>C on transcript NM_001083961.2 (MANE Select); coding-DNA position 778, T replaced by C.
Protein change: p.Cys260Arg; replaces cysteine 260 with arginine.
Molecular consequence: missense variant.
Genome position (GRCh38, 1-based): chr19:36,067,906, T>C. VCF-style: chr19-36067906-T-C. GRCh37 (hg19) VCF-style: chr19-36558808-T-C.
Other names: c.778T>C, p.Cys260Arg (NM_173636.5); short protein forms C260R.
Identifiers: ClinVar variation 372602 (VCV000372602.1), dbSNP rs757091694, ClinGen allele CA9395386.

ClinVar aggregate classification (germline): Likely pathogenic (1 of 4 stars; one submission).

Allele frequency attached by ClinVar (database versions not stated): ExAC 0.00001; gnomAD 0.00001; gnomAD exomes 0.00001; TOPMed 0.00001.
gnomAD v4.1: 17 of 1,614,096 alleles (0.0011%); highest among the groups gnomAD compares: Non-Finnish European, 0.0014%; no homozygotes.

Submission:

GeneDx
Classification: Likely pathogenic. Last evaluated: 2015-03-30. Review status: criteria provided, single submitter. Criteria: GeneDx Variant Classification (06012015). Collection method: clinical testing. Allele origin: germline. Affected: yes.
Comment: The C260R variant in the WDR62 gene has not been published as a pathogenic variant, nor has it been reported as abenign polymorphism to our knowledge. The C260R variant was not observed in approximately 6500individuals of European and African American ancestry in the NHLBI Exome Sequencing Project,indicating it is not a common benign variant in these populations. The C260R variant is a non-conservative amino acid substitution, which is likely to impact secondary protein structure as these residues differ inpolarity, charge, size and/or other properties. This substitution occurs at a position that is conserved acrossspecies. In silico analysis is inconsistent in its predictions as to whether or not the variant is damaging tothe protein structure/function. The C260R variant is a strong candidate for a pathogenic variant,however the possibility it may be a rare benign variant cannot be excluded.